The following is an entry in ClinVar:

ClinVar aggregate classification (germline): Pathogenic (1 of 4 stars; one submission).

Conditions:
Primary ciliary dyskinesia. Also called: Ciliary dyskinesia. Identifiers: Orphanet 244, MedGen C0008780, MONDO:0016575, HP:0012265.

Submission:

Labcorp Genetics (formerly Invitae), Labcorp
Classification: Pathogenic for Primary ciliary dyskinesia. Last evaluated: 2020-01-20. Review status: criteria provided, single submitter. Criteria: Invitae Variant Classification Sherloc (09022015). Collection method: clinical testing. Allele origin: germline.
Comment: This sequence change creates a premature translational stop signal (p.Ser122Cysfs*29) in the DNAAF3 gene. It is expected to result in an absent or disrupted protein product. This variant is present in population databases (rs780701843, ExAC 0.005%). This variant has not been reported in the literature in individuals with DNAAF3-related conditions. Loss-of-function variants in DNAAF3 are known to be pathogenic (PMID: 22387996). For these reasons, this variant has been classified as Pathogenic.

Literature cited by the submitters: PubMed 22387996.

NM_001256715.2(DNAAF3):c.161_162del (p.Ser54fs)

Genes: DNAAF3 (dynein axonemal assembly factor 3; minus strand), DNAAF3-AS1 (DNAAF3 antisense RNA 1; plus strand). Cytogenetic location: 19q13.42.
Variant type: Microsatellite.
Coding change: c.161_162del on transcript NM_001256715.2 (MANE Select); coding-DNA positions 161 to 162, 2 bases deleted (CT; older notation c.161_162delCT).
Protein change: p.Ser54fs; shifts the reading frame from serine 54.
Molecular consequence: frameshift variant. On other transcripts: 5 prime UTR variant (1).
Genome position (GRCh38, 1-based): chr19:55,165,924-55,165,925, AG deleted on the plus strand (CT on the coding strand, the reverse complement: DNAAF3 is on the minus strand); deleting any 2 consecutive bases within chr19:55,165,924-55,165,927 gives the same sequence; the c. name uses the placement nearest the transcript's 3' end. VCF-style (leftmost placement, unchanged base first): chr19-55165923-CAG-C. GRCh37 (hg19) VCF-style: chr19-55677291-CAG-C.
Other names: c.365_366del, p.Ser122fs (NM_001256714.1); c.-80CT[1] (NM_001256716.2); c.302_303del, p.Ser101fs (NM_178837.4); short protein forms S101fs, S122fs, S54fs.
Identifiers: ClinVar variation 1322752 (VCV001322752.3), dbSNP rs780701843, ClinGen allele CA9668226.